The following is an entry in ClinVar:

NM_001003787.4(STRADA):c.1101G>A (p.Arg367=)

Gene: STRADA (STE20 related adaptor alpha; minus strand). Cytogenetic location: 17q23.3.
Variant type: single nucleotide variant.
Coding change: c.1101G>A on transcript NM_001003787.4 (MANE Select); coding-DNA position 1101, G replaced by A.
Protein change: p.Arg367=; no amino-acid change (arginine 367 retained).
Molecular consequence: synonymous variant. On other transcripts: missense variant (5), 3 prime UTR variant (1), non-coding transcript variant (1), intron variant (1).
Genome position (GRCh38, 1-based): chr17:63,704,047, C>T on the plus strand (G>A on the coding strand, the complement: STRADA is on the minus strand). VCF-style: chr17-63704047-C-T. GRCh37 (hg19) VCF-style: chr17-61781407-C-T.
Other names: c.990G>A, p.Arg330= (NM_001003786.3); c.927G>A, p.Arg309= (NM_001003788.3); c.923G>A, p.Gly308Asp (NM_001165969.2); c.878G>A, p.Gly293Asp (NM_001165970.2); c.1077G>A, p.Arg359= (NM_001363786.1); c.1014G>A, p.Arg338= (NM_001363787.1); c.1010G>A, p.Gly337Asp (NM_001363788.1); c.899G>A, p.Gly300Asp (NM_001363789.1); and 3 more; short protein forms G279D, G293D, G337D, G300D, G308D.
Identifiers: ClinVar variation 844584 (VCV000844584.8), dbSNP rs202183893, ClinGen allele CA8703112.
Genomic context (GRCh38, chr17:63,704,047, plus strand): 5'-ACGAAGGGGCTACGATACCTGCTTGAAGAAAGAGTGGTTCAGGAGGGTGCTGGCACTGGG[C>T]CTGGAGGGAAAGGGGAGGAGAGACCGCAGCATCACTGCCGTGTCCCCAGCTTCCCGAAAT-3'
Protein context (NP_001003787.1, residues 357-377): EQCLQRNPDA[Arg367=]PSASTLLNHS

ClinVar aggregate classification (germline): Conflicting classifications of pathogenicity. Review status: criteria provided, conflicting classifications (1 of 4 stars). 2 submissions from 2 submitters: Uncertain significance (1); Likely benign (1). Last evaluated 2024-12-16.

Conditions:
Inborn genetic diseases. Identifiers: MedGen C0950123, MeSH D030342.
Polyhydramnios, megalencephaly, and symptomatic epilepsy (PMSE). Also called: PMSE SYNDROME. Identifiers: Orphanet 500533, MedGen C1970203, MONDO:0012611, OMIM 611087.

Allele frequency attached by ClinVar (database versions not stated): ESP Exome Variant Server 0.00008; gnomAD 0.00013 and 0.00014; TOPMed 0.00014.
gnomAD v4.1: 352 of 1,613,274 alleles (0.022%); highest among the groups gnomAD compares: Non-Finnish European, 0.028%; no homozygotes.

Submissions (2):

Labcorp Genetics (formerly Invitae), Labcorp
Classification: Uncertain significance for Polyhydramnios, megalencephaly, and symptomatic epilepsy. Last evaluated: 2024-12-16. Review status: criteria provided, single submitter. Criteria: Invitae Variant Classification Sherloc (09022015). Collection method: clinical testing. Allele origin: germline.
Comment: This sequence change affects codon 367 of the STRADA mRNA. It is a 'silent' change, meaning that it does not change the encoded amino acid sequence of the STRADA protein. It affects a nucleotide within the consensus splice site. This variant is present in population databases (rs202183893, gnomAD 0.02%). This variant has not been reported in the literature in individuals affected with STRADA-related conditions. ClinVar contains an entry for this variant (Variation ID: 844584). Algorithms developed to predict the effect of sequence changes on RNA splicing suggest that this variant is not likely to affect RNA splicing. In summary, the available evidence is currently insufficient to determine the role of this variant in disease. Therefore, it has been classified as a Variant of Uncertain Significance.

Ambry Genetics
Classification: Likely benign for Inborn genetic diseases. Last evaluated: 2023-12-07. Review status: criteria provided, single submitter. Criteria: Ambry Variant Classification Scheme 2023. Collection method: clinical testing. Allele origin: germline.